The following is an entry in ClinVar:

ClinVar aggregate classification (germline): Uncertain significance. Review status: criteria provided, multiple submitters, no conflicts (2 of 4 stars). 2 submissions from 2 submitters: Uncertain significance (2). Last evaluated 2024-02-20.

Conditions:
Inborn genetic diseases. Identifiers: MedGen C0950123, MeSH D030342.

gnomAD v4.1: 16 of 1,614,214 alleles (0.00099%); highest among the groups gnomAD compares: Non-Finnish European, 0.0014%; no homozygotes.

Submissions (2):

GeneDx
Classification: Uncertain significance. Last evaluated: 2024-02-20. Review status: criteria provided, single submitter. Criteria: GeneDx Variant Classification Process June 2021. Collection method: clinical testing. Allele origin: germline.
Comment: Not observed at significant frequency in large population cohorts (gnomAD); Nonsense variant predicted to result in protein truncation or nonsense mediated decay in a gene or region of a gene for which loss of function is not a well-established mechanism of disease; Has not been previously published as pathogenic or benign to our knowledge

Ambry Genetics
Classification: Uncertain significance for Inborn genetic diseases. Last evaluated: 2021-03-26. Review status: criteria provided, single submitter. Criteria: Ambry Variant Classification Scheme 2023. Collection method: clinical testing. Allele origin: germline.
Comment: Loss of function has not been clearly established as a mechanism of disease Based on insufficient or conflicting evidence, the clinical significance of this alteration remains unclear.

NM_000748.3(CHRNB2):c.534C>A (p.Tyr178Ter)

Gene: CHRNB2 (cholinergic receptor nicotinic beta 2 subunit; plus strand). Cytogenetic location: 1q21.3.
Variant type: single nucleotide variant.
Coding change: c.534C>A on transcript NM_000748.3 (MANE Select); coding-DNA position 534, C replaced by A.
Protein change: p.Tyr178Ter; replaces tyrosine 178 with a stop codon.
Molecular consequence: nonsense.
Genome position (GRCh38, 1-based): chr1:154,571,357, C>A. VCF-style: chr1-154571357-C-A. GRCh37 (hg19) VCF-style: chr1-154543833-C-A.
Other names: short protein forms Y178*.
Identifiers: ClinVar variation 2229670 (VCV002229670.6), dbSNP rs1211673895, ClinGen allele CA342630252.